The following is an entry in ClinVar:

NM_021930.6(RINT1):c.2144T>C (p.Leu715Ser)

Genes: EFCAB10 (EF-hand calcium binding domain 10; minus strand), RINT1 (RAD50 interactor 1; plus strand). Cytogenetic location: 7q22.3.
Variant type: single nucleotide variant.
Coding change: c.2144T>C on transcript NM_021930.6 (MANE Select); coding-DNA position 2144, T replaced by C.
Protein change: p.Leu715Ser; replaces leucine 715 with serine.
Molecular consequence: missense variant. On other transcripts: synonymous variant (1), non-coding transcript variant (1), intron variant (2).
Genome position (GRCh38, 1-based): chr7:105,565,606, T>C. VCF-style: chr7-105565606-T-C. GRCh37 (hg19) VCF-style: chr7-105206053-T-C.
Other names: c.393A>G, p.Thr131= (NM_001355530.2); c.1910T>C, p.Leu637Ser (NM_001346599.2); c.1121T>C, p.Leu374Ser (NM_001346600.2, NM_001346603.2); c.1220T>C, p.Leu407Ser (NM_001346601.2); c.360-159A>G (NM_001355531.2); c.384-159A>G (NM_001355526.2); short protein forms L374S, L407S, L637S, L715S.
Identifiers: ClinVar variation 2448402 (VCV002448402.2), dbSNP rs2485187106, ClinGen allele CA368815234.

ClinVar aggregate classification (germline): Uncertain significance (1 of 4 stars; one submission).

gnomAD v4.1: 1 of 1,613,818 alleles (0.000062%); highest among the groups gnomAD compares: Non-Finnish European, 0.000085%; no homozygotes.

Submission:

Ambry Genetics
Classification: Uncertain significance. Last evaluated: 2022-11-13. Review status: criteria provided, single submitter. Criteria: Ambry Variant Classification Scheme 2023. Collection method: clinical testing. Allele origin: germline.
Comment: The p.L715S variant (also known as c.2144T>C), located in coding exon 14 of the RINT1 gene, results from a T to C substitution at nucleotide position 2144. The leucine at codon 715 is replaced by serine, an amino acid with dissimilar properties. This amino acid position is conserved. In addition, this alteration is predicted to be deleterious by in silico analysis. Since supporting evidence is limited at this time, the clinical significance of this alteration remains unclear.